The following is an entry in ClinVar:

ClinVar aggregate classification (germline): Uncertain significance (1 of 4 stars; one submission).

gnomAD v4.1: 66 of 1,599,196 alleles (0.0041%); highest among the groups gnomAD compares: Admixed American, 0.035%; no homozygotes.

Submission:

Dasa
Classification: Uncertain significance. Last evaluated: 2025-10-18. Review status: criteria provided, single submitter. Criteria: DASA Assertion Criteria. Collection method: clinical testing. Allele origin: germline.
Comment: NM_001270974.2(HYDIN):c.1975-5T>C is a splice-region variant. This variant is rare in population databases. Computational prediction algorithms are consistent with a benign effect. The currently available literature and clinical evidence are not sufficient to establish a definitive association between this variant and the reported condition. Therefore, this variant is classified as a variant of uncertain significance.

NM_001270974.2(HYDIN):c.1975-5T>C

Gene: HYDIN (HYDIN axonemal central pair apparatus protein; minus strand). Cytogenetic location: 16q22.2.
Variant type: single nucleotide variant.
Coding change: c.1975-5T>C on transcript NM_001270974.2 (MANE Select); 5 bases into the intron before coding-DNA position 1975, T replaced by C.
Molecular consequence: intron variant.
Genome position (GRCh38, 1-based): chr16:71,067,395, A>G on the plus strand (T>C on the coding strand, the complement: HYDIN is on the minus strand). VCF-style: chr16-71067395-A-G. GRCh37 (hg19) VCF-style: chr16-71101298-A-G.
Other names: c.1975-5T>C (NM_017558.5); c.2026-5T>C (NM_001198543.1); c.2056-5T>C (NM_001198542.1).
Identifiers: ClinVar variation 4885914 (VCV004885914.2).